The following is an entry in ClinVar:

ClinVar aggregate classification (germline): Uncertain significance. Review status: criteria provided, multiple submitters, no conflicts (2 of 4 stars). 2 submissions from 2 submitters: Uncertain significance (2). Last evaluated 2024-07-10.

Conditions:
Autosomal recessive limb-girdle muscular dystrophy type 2W (MDRCMTT). Also called: Muscular dystrophy, limb-girdle, type 2W; Muscular dystrophy, autosomal recessive, with cardiomyopathy and triangular tongue. Identifiers: MedGen C4225192, MONDO:0014788, OMIM 616827.

Submissions (2):

Labcorp Genetics (formerly Invitae), Labcorp
Classification: Uncertain significance for Autosomal recessive limb-girdle muscular dystrophy type 2W. Last evaluated: 2024-07-10. Review status: criteria provided, single submitter. Criteria: Invitae Variant Classification Sherloc (09022015). Collection method: clinical testing. Allele origin: germline.
Comment: This sequence change disrupts the translational stop signal of the LIMS2 mRNA. It is expected to extend the length of the LIMS2 protein by 59 additional amino acid residues. This variant is not present in population databases (gnomAD no frequency). This variant has not been reported in the literature in individuals affected with LIMS2-related conditions. In summary, the available evidence is currently insufficient to determine the role of this variant in disease. Therefore, it has been classified as a Variant of Uncertain Significance.

Revvity Omics, Revvity
Classification: Uncertain significance for Autosomal recessive limb-girdle muscular dystrophy type 2W. Last evaluated: 2023-01-22. Review status: criteria provided, single submitter. Criteria: ACMG Guidelines, 2015. Collection method: clinical testing. Allele origin: germline.

NM_001161403.3(LIMS2):c.1025_*22del (p.Ter342Xaa)

Gene: LIMS2 (LIM zinc finger domain containing 2; minus strand). Cytogenetic location: 2q14.3.
Variant type: Deletion.
Coding change: c.1025_*22del on transcript NM_001161403.3 (MANE Select); coding-DNA position 1025 through 22 bases downstream of the stop codon, 24 bases deleted (GAAGGCCCTCTTGCGCAGCTGCCT).
Protein change: p.Ter342Xaa.
Molecular consequence: stop lost.
Genome position (GRCh38, 1-based): chr2:127,639,259-127,639,282, AGGCAGCTGCGCAAGAGGGCCTTC deleted on the plus strand (GAAGGCCCTCTTGCGCAGCTGCCT on the coding strand, the reverse complement: LIMS2 is on the minus strand); deleting any 24 consecutive bases within chr2:127,639,259-127,639,288 gives the same sequence; the c. name uses the placement nearest the transcript's 3' end. VCF-style (leftmost placement, unchanged base first): chr2-127639258-GAGGCAGCTGCGCAAGAGGGCCTTC-G. GRCh37 (hg19) VCF-style: chr2-128396833-GAGGCAGCTGCGCAAGAGGGCCTTC-G.
Other names: c.1091_*22del, p.Ter364Xaa (NM_001136037.4); c.1010_*22del, p.Ter337Xaa (NM_001161404.2); c.563_*16del24, p.Ser188_Ter(190_?)(?) (NM_001161405.1); c.569_*22del, p.Ter190Xaa (NM_001256542.2); c.1097_*22del, p.Ter366Xaa (NM_017980.5).
Identifiers: ClinVar variation 2689370 (VCV002689370.4), dbSNP rs2468798857, ClinGen allele CA2661020178.